The following is an entry in ClinVar:

NM_000719.7(CACNA1C):c.3434T>C (p.Phe1145Ser)

Gene: CACNA1C (calcium voltage-gated channel subunit alpha1 C; plus strand). Cytogenetic location: 12p13.33.
Variant type: single nucleotide variant.
Coding change: c.3434T>C on transcript NM_000719.7 (MANE Select); coding-DNA position 3434, T replaced by C.
Protein change: p.Phe1145Ser; replaces phenylalanine 1145 with serine.
Molecular consequence: missense variant.
Genome position (GRCh38, 1-based): chr12:2,608,588, T>C. VCF-style: chr12-2608588-T-C. GRCh37 (hg19) VCF-style: chr12-2717754-T-C.
Other names: c.3494T>C, p.Phe1165Ser (NM_001129827.2, NM_001129832.2, NM_199460.4); c.3434T>C, p.Phe1145Ser (NM_001129829.2, NM_001129830.3, NM_001129831.2 and 15 more transcripts); c.3425T>C, p.Phe1142Ser (NM_001129844.2); short protein forms F1145S, F1142S, F1165S.
Identifiers: ClinVar variation 2850632 (VCV002850632.3), dbSNP rs2518575580, ClinGen allele CA383375378.
Genomic context (GRCh38, chr12:2,608,588, plus strand): 5'-TCGACTCCCACACGGAAGACAAGGGCCCCATCTACAACTACCGTGTGGAGATCTCCATCT[T>C]CTTCATCATCTACATCATCATCATCGCCTTCTTCATGATGAACATCTTCGTGGGCTTCGT-3'
Protein context (NP_000710.5, residues 1135-1155): IYNYRVEISI[Phe1145Ser]FIIYIIIIAF

ClinVar aggregate classification (germline): Uncertain significance (1 of 4 stars; one submission).

Conditions:
Long QT syndrome (LQTS). Identifiers: MedGen C0023976, MeSH D008133, MONDO:0002442. Disease mechanism: loss of function. Inheritance: Various modes of inheritance.

Submission:

Labcorp Genetics (formerly Invitae), Labcorp
Classification: Uncertain significance for Long QT syndrome. Last evaluated: 2023-03-29. Review status: criteria provided, single submitter. Criteria: Invitae Variant Classification Sherloc (09022015). Collection method: clinical testing. Allele origin: germline.
Comment: In summary, the available evidence is currently insufficient to determine the role of this variant in disease. Therefore, it has been classified as a Variant of Uncertain Significance. Advanced modeling of protein sequence and biophysical properties (such as structural, functional, and spatial information, amino acid conservation, physicochemical variation, residue mobility, and thermodynamic stability) performed at Invitae indicates that this missense variant is expected to disrupt CACNA1C protein function. This variant has not been reported in the literature in individuals affected with CACNA1C-related conditions. This variant is not present in population databases (gnomAD no frequency). This sequence change replaces phenylalanine, which is neutral and non-polar, with serine, which is neutral and polar, at codon 1145 of the CACNA1C protein (p.Phe1145Ser).